The following is an entry in ClinVar:

ClinVar aggregate classification (germline): Conflicting classifications of pathogenicity. Review status: criteria provided, conflicting classifications (1 of 4 stars). 5 submissions from 5 submitters: Uncertain significance (4); Likely benign (1). Last evaluated 2026-02-21.

Conditions:
Inborn genetic diseases. Identifiers: MedGen C0950123, MeSH D030342.
Spondyloepimetaphyseal dysplasia, Maroteaux type (SEDM). Also called: SED, MAROTEAUX TYPE; Spondyloepimetaphyseal Dysplasia, TRPV4-Related (Maroteaux Type); PSEUDO-MORQUIO SYNDROME, TYPE 2. Identifiers: Orphanet 263482, MedGen C3159322, MONDO:0008473, OMIM 184095.
Charcot-Marie-Tooth disease axonal type 2C (HMSN2C). Also called: CHARCOT-MARIE-TOOTH DISEASE, AXONAL, AUTOSOMAL DOMINANT, TYPE 2C; Charcot-Marie-Tooth Neuropathy Type 2C; Charcot-Marie-Tooth Disease Type 2, TRPV4-Related (CMT2C). Identifiers: Orphanet 99937, MedGen C1853710, MONDO:0011633, OMIM 606071.

Allele frequency attached by ClinVar (database versions not stated): TOPMed 0.00001; ExAC 0.00002; gnomAD exomes 0.00002.
gnomAD v4.1: 33 of 1,613,892 alleles (0.002%); highest among the groups gnomAD compares: Non-Finnish European, 0.0027%; no homozygotes.

Submissions (5):

Centre for Medical Genetics,  Mumbai
Classification: Likely benign for Spondyloepimetaphyseal dysplasia, Maroteaux type. Last evaluated: 2026-02-21. Review status: criteria provided, single submitter. Criteria: ACMG Guidelines, 2015. Collection method: provider interpretation. Allele origin: germline. Inheritance: Autosomal dominant inheritance. Affected: no. Observed: 1 heterozygote.
Comment: The variant satisfies PM2 criteria; Extremely low frequency in gnomAD population databases. The variant satisfies PM1 criteria; Non-truncating non-synonymous variant is located in a mutational hot spot and/or critical and well-established functional domain. The variant satisfies PP3 criteria; For a missense or a splicing region variant, computational prediction tools unanimously support a deleterious effect on the gene. However, the variant satisfies BS2 criteria.

Labcorp Genetics (formerly Invitae), Labcorp
Classification: Uncertain significance for Charcot-Marie-Tooth disease axonal type 2C. Last evaluated: 2025-09-26. Review status: criteria provided, single submitter. Criteria: Invitae Variant Classification Sherloc (09022015). Collection method: clinical testing. Allele origin: germline.
Comment: This sequence change replaces tyrosine, which is neutral and polar, with cysteine, which is neutral and slightly polar, at codon 235 of the TRPV4 protein (p.Tyr235Cys). This variant is present in population databases (rs754848195, gnomAD 0.004%). This variant has not been reported in the literature in individuals affected with TRPV4-related conditions. ClinVar contains an entry for this variant (Variation ID: 234711). Invitae Evidence Modeling of protein sequence and biophysical properties (such as structural, functional, and spatial information, amino acid conservation, physicochemical variation, residue mobility, and thermodynamic stability) indicates that this missense variant is expected to disrupt TRPV4 protein function with a positive predictive value of 95%. In summary, the available evidence is currently insufficient to determine the role of this variant in disease. Therefore, it has been classified as a Variant of Uncertain Significance.

Blueprint Genetics
Classification: Uncertain significance. Last evaluated: 2024-05-27. Review status: criteria provided, single submitter. Criteria: ACMG Guidelines, 2015. Collection method: clinical testing. Allele origin: germline.

Ambry Genetics
Classification: Uncertain significance for Inborn genetic diseases. Last evaluated: 2023-10-25. Review status: criteria provided, single submitter. Criteria: Ambry Variant Classification Scheme 2023. Collection method: clinical testing. Allele origin: germline.

GeneDx
Classification: Uncertain significance. Last evaluated: 2022-11-23. Review status: criteria provided, single submitter. Criteria: GeneDx Variant Classification Process June 2021. Collection method: clinical testing. Allele origin: germline. Affected: yes.
Comment: In silico analysis supports that this missense variant has a deleterious effect on protein structure/function; Has not been previously published as pathogenic or benign to our knowledge

Literature cited by the submitters: PubMed 20503319 (cited by Centre for Medical Genetics,  Mumbai).

NM_021625.5(TRPV4):c.704A>G (p.Tyr235Cys)

Gene: TRPV4 (transient receptor potential cation channel subfamily V member 4; minus strand). Cytogenetic location: 12q24.11.
Variant type: single nucleotide variant.
Coding change: c.704A>G on transcript NM_021625.5 (MANE Select); coding-DNA position 704, A replaced by G.
Protein change: p.Tyr235Cys; replaces tyrosine 235 with cysteine.
Molecular consequence: missense variant.
Genome position (GRCh38, 1-based): chr12:109,802,999, T>C on the plus strand (A>G on the coding strand, the complement: TRPV4 is on the minus strand). VCF-style: chr12-109802999-T-C. GRCh37 (hg19) VCF-style: chr12-110240804-T-C.
Other names: c.704A>G, p.Tyr235Cys (NM_001177428.2, NM_001177433.2, NM_147204.3); c.602A>G, p.Tyr201Cys (NM_001177431.2); short protein forms Y201C, Y235C.
Identifiers: ClinVar variation 234711 (VCV000234711.19), dbSNP rs754848195, ClinGen allele CA6780470.